The following is an entry in ClinVar:

NM_000540.3(RYR1):c.1147A>G (p.Met383Val)

Gene: RYR1 (ryanodine receptor 1; plus strand). Cytogenetic location: 19q13.2.
Variant type: single nucleotide variant.
Coding change: c.1147A>G on transcript NM_000540.3 (MANE Select); coding-DNA position 1147, A replaced by G.
Protein change: p.Met383Val; replaces methionine 383 with valine.
Molecular consequence: missense variant.
Genome position (GRCh38, 1-based): chr19:38,451,788, A>G. VCF-style: chr19-38451788-A-G. GRCh37 (hg19) VCF-style: chr19-38942428-A-G.
Other names: c.1147A>G, p.Met383Val (NM_001042723.2); short protein forms M383V.
Identifiers: ClinVar variation 2725253 (VCV002725253.4), dbSNP rs941742925, ClinGen allele CA308119778.

ClinVar aggregate classification (germline): Uncertain significance. Review status: criteria provided, multiple submitters, no conflicts (2 of 4 stars). 2 submissions from 2 submitters: Uncertain significance (2). Last evaluated 2025-07-18.

Conditions:
Malignant hyperthermia, susceptibility to, 1 (MHS1). Also called: Anesthesia related hyperthermia; Malignant hyperpyrexia; Fulminating hyperpyrexia; Pharmacogenic myopathy; RYR1-Related Malignant Hyperthermia Susceptibility; Malignant hyperthermia suceptibility 1. Identifiers: Orphanet 423, MedGen C2930980, MONDO:0007783, OMIM 145600.
RYR1-related disorder. Also called: RYR1-related disorders; RYR1-related condition. Identifiers: MedGen CN239331.

Allele frequency attached by ClinVar (database versions not stated): gnomAD exomes 0.00001.
gnomAD v4.1: 10 of 1,614,118 alleles (0.00062%); highest among the groups gnomAD compares: Non-Finnish European, 0.00085%; no homozygotes.

Submissions (2):

Color Diagnostics, LLC DBA Color Health
Classification: Uncertain significance for Malignant hyperthermia, susceptibility to, 1. Last evaluated: 2025-07-18. Review status: criteria provided, single submitter. Criteria: ACMG Guidelines, 2015. Collection method: clinical testing. Allele origin: germline.
Comment: This missense variant replaces methionine with valine at codon 383 of the RYR1 protein. Computational prediction suggests that this variant may have deleterious impact on protein structure and function. To our knowledge, functional studies have not been reported for this variant. This variant has not been reported in individuals affected with RYR1-related disorders in the literature. This variant has not been identified in the general population by the Genome Aggregation Database (gnomAD). The available evidence is insufficient to determine the role of this variant in disease conclusively. Therefore, this variant is classified as a Variant of Uncertain Significance.

Labcorp Genetics (formerly Invitae), Labcorp
Classification: Uncertain significance for RYR1-related disorder. Last evaluated: 2024-03-22. Review status: criteria provided, single submitter. Criteria: Invitae Variant Classification Sherloc (09022015). Collection method: clinical testing. Allele origin: germline.
Comment: This sequence change replaces methionine, which is neutral and non-polar, with valine, which is neutral and non-polar, at codon 383 of the RYR1 protein (p.Met383Val). This variant is not present in population databases (gnomAD no frequency). This variant has not been reported in the literature in individuals affected with RYR1-related conditions. Advanced modeling of protein sequence and biophysical properties (such as structural, functional, and spatial information, amino acid conservation, physicochemical variation, residue mobility, and thermodynamic stability) has been performed at Invitae for this missense variant, however the output from this modeling did not meet the statistical confidence thresholds required to predict the impact of this variant on RYR1 protein function. In summary, the available evidence is currently insufficient to determine the role of this variant in disease. Therefore, it has been classified as a Variant of Uncertain Significance.